The following continues an entry in ClinVar:

NM_002834.5(PTPN11):c.1492C>T (p.Arg498Trp)

Gene: PTPN11. ClinVar aggregate classification (germline): Pathogenic/Likely pathogenic. Pathogenic (32); Likely pathogenic (1). ClinVar aggregate classification (somatic clinical impact): Tier II - Potential. ClinVar aggregate classification (oncogenicity): Oncogenic.

Submissions 9 to 19 of 37:

Women's Health and Genetics/Laboratory Corporation of America, LabCorp
Classification: Pathogenic for RASopathy. Last evaluated: 2025-10-13. Review status: criteria provided, single submitter. Criteria: LabCorp Variant Classification Summary - May 2015. Collection method: clinical testing. Allele origin: germline.
Comment: Variant summary: PTPN11 c.1492C>T (p.Arg498Trp) results in a non-conservative amino acid change in the encoded protein sequence. Algorithms developed to predict the effect of missense changes on protein structure and function all suggest that this variant is likely to be disruptive. The variant allele was found at a frequency of 4e-06 in 251490 control chromosomes. c.1492C>T has been observed in individual(s) affected with RASopathies including Noonan syndrome with multiple lentigines and multiple lentigines LEOPARD syndrome (eg. Edwards_2014, Sarkozy_2004, Digilio_2011). These data indicate that the variant is likely to be associated with disease. A different variant affecting the same codon has been classified as pathogenic by our lab (c.1493G>T, p.Arg498Leu), supporting the critical relevance of codon 498 to PTPN11 protein function. At least one publication reports experimental evidence evaluating an impact on protein function showing the variant affects PTPN11 function (Edwards_2014). ClinVar contains an entry for this variant (Variation ID: 40553). The following publications have been ascertained in the context of this evaluation (PMID: 22190897, 18505544, 24891296). Based on the evidence outlined above, the variant was classified as pathogenic.

3billion
Classification: Pathogenic for Noonan syndrome 1. Last evaluated: 2025-09-26. Review status: criteria provided, single submitter. Criteria: ACMG Guidelines, 2015. Collection method: clinical testing. Allele origin: germline. Affected: yes.
Comment: The variant is observed at an extremely low frequency in the gnomAD v4.1.0 dataset (total allele frequency: <0.001%). Predicted Consequence/Location: Missense variant. Missense changes are a common disease-causing mechanism. In silico tool predictions suggest damaging effect of the variant on gene or gene product [REVEL: 0.85 (>=0.6, sensitivity 0.68 and specificity 0.92); 3Cnet: 0.98 (> 0.75, sensitivity 0.96 and precision 0.92)]. The same nucleotide change resulting in the same amino acid change has been previously reported as pathogenic/likely pathogenic with strong evidence (ClinVar ID: VCV000040553 /PMID: 15121796 /3billion dataset). Different missense changes at the same codon (p.Arg498Gln, p.Arg498Leu) have been reported as pathogenic/likely pathogenic with strong evidence (ClinVar ID: VCV000040554, VCV001805026 /PMID: 15121796, 38540404 /3billion dataset). Therefore, this variant is classified as Pathogenic according to the recommendation of ACMG/AMP guideline.

Department of Clinical Genetics, Copenhagen University Hospital, Rigshospitalet
Classification: Pathogenic for RASopathy. Last evaluated: 2025-06-20. Review status: criteria provided, single submitter. Criteria: ACMG Guidelines, 2015. Collection method: clinical testing. Allele origin: germline.
Comment: The following ACMG criteria has been used: PP3; PS3_MOD; PS4; PM6; PS1

Institute of Human Genetics Munich, TUM University Hospital
Classification: Likely pathogenic for Noonan syndrome 1. Last evaluated: 2025-03-19. Review status: criteria provided, single submitter. Criteria: Classification criteria August 2017. Collection method: clinical testing. Allele origin: maternal. Inheritance: Autosomal dominant inheritance. Affected: yes. Observed: 1 variant allele.

Dasa
Classification: Pathogenic. Last evaluated: 2025-01-08. Review status: criteria provided, single submitter. Criteria: DASA Assertion Criteria. Collection method: clinical testing. Allele origin: germline.
Comment: NM_002834.5(PTPN11):c.1492C>T (p.Arg498Trp) is a missense variant that results in the substitution of arginine with tryptophan. The affected residue or protein region has prior evidence supporting clinical relevance. De novo occurrence has been reported in an individual with related phenotype. Functional evidence supports a deleterious effect on the gene or gene product (PMID: 24891296; PMID: 22190897; PMID: 15121796; PMID: 15928039; PMID: 29493581). This variant has been recurrently observed in individuals with related phenotype (PMID: 24891296; PMID: 22190897; PMID: 15121796; PMID: 15928039; PMID: 29493581). Segregation evidence has been reported in affected families. Multiple computational predictions support a deleterious effect on the gene or gene product. The variant is present at low frequency in population datasets. Based on the available data, this variant is classified as pathogenic.

Blueprint Genetics
Classification: Pathogenic for PTPN11-related disorders. Last evaluated: 2024-02-28. Review status: criteria provided, single submitter. Criteria: ACMG Guidelines, 2015. Collection method: clinical testing. Allele origin: germline. Affected: yes. Observed: 5 variant alleles.

Baylor Genetics
Classification: Pathogenic for LEOPARD syndrome 1. Last evaluated: 2024-02-06. Review status: criteria provided, single submitter. Criteria: ACMG Guidelines, 2015. Collection method: clinical testing. Allele origin: unknown.

Baylor Genetics
Classification: Pathogenic for Metachondromatosis. Last evaluated: 2024-02-06. Review status: criteria provided, single submitter. Criteria: ACMG Guidelines, 2015. Collection method: clinical testing. Allele origin: unknown.

Baylor Genetics
Classification: Pathogenic for Noonan syndrome 1. Last evaluated: 2024-01-15. Review status: criteria provided, single submitter. Criteria: ACMG Guidelines, 2015. Collection method: clinical testing. Allele origin: unknown.

Victorian Clinical Genetics Services, Murdoch Childrens Research Institute
Classification: Pathogenic for Noonan syndrome 1. Last evaluated: 2023-12-21. Review status: criteria provided, single submitter. Criteria: ACMG Guidelines, 2015. Collection method: clinical testing. Allele origin: germline. Inheritance: Autosomal dominant inheritance. Affected: yes.
Comment: Based on the classification scheme VCGS_Germline_v1.3.4, this variant is classified as Pathogenic. Following criteria are met: 0103 - Both loss of function and gain of function are known mechanisms of disease for this gene. Metachondromatosis (MIM#156250) and Noonan syndrome with multiple lentigines have been associated with loss of function variants, whereas Noonan syndrome 1 (MIM#163950) is caused by gain of function variants (PMIDs: 11992261, 24935154, 21533187; ClinGen expert panel). (I) 0107 - This gene is associated with autosomal dominant disease. (I) 0115 - Variants in this gene are known to have variable expressivity. Noonan syndrome is known to have variable expressivity (GeneReviews). (I) 0200 - Variant is predicted to result in a missense amino acid change from arginine to tryptophan. (I) 0251 - This variant is heterozygous. (I) 0302 - Variant is present in gnomAD (v2, v3) <0.001 for a dominant condition (2 heterozygotes, 0 homozygotes). (SP) 0501 - Missense variant consistently predicted to be damaging by multiple in silico tools or highly conserved with a major amino acid change. (SP) 0602 - Variant is located in a hotspot region or cluster of pathogenic variants (DECIPHER). (SP) 0801 - This variant has strong previous evidence of pathogenicity in unrelated individuals. This variant has been reported many times as pathogenic, and has been observed in individuals with LEOPARD syndrome or Noonan syndrome (ClinVar). (I) Legend: (SP) - Supporting pathogenic, (I) - Information, (SB) - Supporting benign

ARUP Laboratories, Molecular Genetics and Genomics, ARUP Laboratories
Classification: Pathogenic. Last evaluated: 2023-10-18. Review status: criteria provided, single submitter. Criteria: ARUP Molecular Germline Variant Investigation Process 2024. Collection method: clinical testing. Allele origin: germline.
Comment: The PTPN11 c.1492C>T; p.Arg498Trp variant (rs397507541) is reported in the literature in multiple individuals diagnosed with Noonan syndrome with multiple lentigines (also known as LEOPARD syndrome 1) or Noonan syndrome (Chen 2019, Giugliano 2019, Hakami 2016, Kauffman 2021, Li 2019, Marinakis 2021, Sarkozy 2004). This variant is also reported in ClinVar (Variation ID: 40553). This variant is only observed on one allele in the Genome Aggregation Database, indicating it is not a common polymorphism. Additionally, another amino acid substitution at this codon (c.1493G>T; p.Arg498Leu) has been reported in individuals with Noonan syndrome with multiple lentigines or Noonan syndrome, and is considered pathogenic (Hung 2007, Limongelli 2008, Sarkozy 2004). In vitro functional analyses of the variant protein demonstrate loss of phosphatase activity, consistent with established disease mechanisms of Noonan syndrome with multiple lentigines (Gelb 2007, Rauen 2013). Computational analyses predict that this variant is deleterious (REVEL: 0.849). Based on available information, this variant is considered to be pathogenic. References: Chen H et al. Clinical and mutation profile of pediatric patients with RASopathy-associated hypertrophic cardiomyopathy: results from a Chinese cohort. Orphanet J Rare Dis. 2019 Feb 7;14(1):29. PMID: 30732632. Edwards JJ et al. A PTPN11 allele encoding a catalytically impaired SHP2 protein in a patient with a Noonan syndrome phenotype. Am J Med Genet A. 2014 Sep;164A(9):2351-5. PMID: 24891296. Giugliano T et al. Clinical and Genetic Findings in Children with Neurofibromatosis Type 1, Legius Syndrome, and Other Related Neurocutaneous Disorders. Genes (Basel). 2019 Jul 31;10(8):580. PMID: 31370276. Gelb BD and Tartaglia M. Noonan Syndrome with Multiple Lentigines. 2007 Nov 30 [updated 2022 Jun 30]. GeneReviews® [Internet]. 1993–2023. PMID: 20301557. Hakami F et al. Retrospective study of prenatal ultrasound findings in newborns with a Noonan spectrum disorder. Prenat Diagn. 2016 May;36(5):418-23. PMID: 26918529. Hung CS et al. Mutational analysis of PTPN11 gene in Taiwanese children with Noonan syndrome. J Formos Med Assoc. 2007 Feb;106(2):169-72. PMID: 17339163. Kauffman H et al. Genotype-phenotype association by echocardiography offers incremental value in patients with Noonan Syndrome with Multiple Lentigines. Pediatr Res. 2021 Aug;90(2):444-451. PMID: 33318624. Li X et al. Molecular and phenotypic spectrum of Noonan syndrome in Chinese patients. Clin Genet. 2019 Oct;96(4):290-299. PMID: 31219622. Limongelli G et al. Genotype-phenotype analysis and natural history of left ventricular hypertrophy in LEOPARD syndrome. Am J Med Genet A. 2008 Mar 1;146A(5):620-8. PMID: 18241070. Marinakis NM et al. Phenotype-driven variant filtration strategy in exome sequencing toward a high diagnostic yield and identification of 85 novel variants in 400 patients with rare Mendelian disorders. Am J Med Genet A. 2021 Aug;185(8):2561-2571. PMID: 34008892. Rauen KA. The RASopathies. Annu Rev Genomics Hum Genet. 2013;14:355-69. PMID: 23875798. Sarkozy A et al. Clinical and molecular analysis of 30 patients with multiple lentigines LEOPARD syndrome. J Med Genet. 2004 May;41(5):e68. PMID: 15121796.